The following is an entry in ClinVar:

ClinVar aggregate classification (germline): Uncertain significance (1 of 4 stars; one submission).

Conditions:
Hereditary cancer-predisposing syndrome. Also called: Neoplastic Syndromes, Hereditary; Tumor predisposition; Hereditary Cancer Syndrome; Hereditary neoplastic syndrome. Identifiers: Orphanet 140162, MedGen C0027672, MeSH D009386, MONDO:0015356.

Submission:

Ambry Genetics
Classification: Uncertain significance for Hereditary cancer-predisposing syndrome. Last evaluated: 2025-09-26. Review status: criteria provided, single submitter. Criteria: Ambry Variant Classification Scheme 2023. Collection method: clinical testing. Allele origin: germline.
Comment: The p.Y2107C variant (also known as c.6320A>G), located in coding exon 45 of the POLE gene, results from an A to G substitution at nucleotide position 6320. The tyrosine at codon 2107 is replaced by cysteine, an amino acid with highly dissimilar properties. This amino acid position is conserved. In addition, this alteration is predicted to be tolerated by in silico analysis. Based on the available evidence, the clinical significance of this variant remains unclear.

NM_006231.4(POLE):c.6320A>G (p.Tyr2107Cys)

Gene: POLE (DNA polymerase epsilon, catalytic subunit; minus strand). Cytogenetic location: 12q24.33.
Variant type: single nucleotide variant.
Coding change: c.6320A>G on transcript NM_006231.4 (MANE Select); coding-DNA position 6320, A replaced by G.
Protein change: p.Tyr2107Cys; replaces tyrosine 2107 with cysteine.
Molecular consequence: missense variant.
Genome position (GRCh38, 1-based): chr12:132,632,325, T>C on the plus strand (A>G on the coding strand, the complement: POLE is on the minus strand). VCF-style: chr12-132632325-T-C. GRCh37 (hg19) VCF-style: chr12-133208911-T-C.
Other names: short protein forms Y2107C.
Identifiers: ClinVar variation 4670703 (VCV004670703.1).